The following is an entry in ClinVar:

ClinVar aggregate classification (germline): Uncertain significance (1 of 4 stars; one submission).

Submission:

Labcorp Genetics (formerly Invitae), Labcorp
Classification: Uncertain significance. Last evaluated: 2024-05-11. Review status: criteria provided, single submitter. Criteria: Invitae Variant Classification Sherloc (09022015). Collection method: clinical testing. Allele origin: germline.
Comment: This sequence change falls in intron 42 of the COL4A3 gene. It does not directly change the encoded amino acid sequence of the COL4A3 protein. It affects a nucleotide within the consensus splice site. This variant is not present in population databases (gnomAD no frequency). This variant has not been reported in the literature in individuals affected with COL4A3-related conditions. Variants that disrupt the consensus splice site are a relatively common cause of aberrant splicing (PMID: 17576681, 9536098). Algorithms developed to predict the effect of sequence changes on RNA splicing suggest that this variant is not likely to affect RNA splicing. In summary, the available evidence is currently insufficient to determine the role of this variant in disease. Therefore, it has been classified as a Variant of Uncertain Significance.

Literature cited by the submitters: PubMed 17576681; PubMed 9536098.

NM_000091.5(COL4A3):c.3752-3C>T

Genes: COL4A3 (collagen type IV alpha 3 chain; plus strand), MFF-DT (MFF divergent transcript; minus strand). Cytogenetic location: 2q36.3.
Variant type: single nucleotide variant.
Coding change: c.3752-3C>T on transcript NM_000091.5 (MANE Select); 3 bases into the intron before coding-DNA position 3752, C replaced by T.
Molecular consequence: intron variant.
Genome position (GRCh38, 1-based): chr2:227,298,679, C>T. VCF-style: chr2-227298679-C-T. GRCh37 (hg19) VCF-style: chr2-228163395-C-T.
Identifiers: ClinVar variation 3612626 (VCV003612626.2).